The following is an entry in ClinVar:

ClinVar aggregate classification (germline): Uncertain significance (1 of 4 stars; one submission).

Submission:

Labcorp Genetics (formerly Invitae), Labcorp
Classification: Uncertain significance. Last evaluated: 2025-05-21. Review status: criteria provided, single submitter. Criteria: Invitae Variant Classification Sherloc (09022015). Collection method: clinical testing. Allele origin: germline.
Comment: This sequence change replaces histidine, which is basic and polar, with glutamine, which is neutral and polar, at codon 721 of the FGFR3 protein (p.His721Gln). This variant is present in population databases (rs371088132, gnomAD 0.007%). This variant has not been reported in the literature in individuals affected with FGFR3-related conditions. Invitae Evidence Modeling of protein sequence and biophysical properties (such as structural, functional, and spatial information, amino acid conservation, physicochemical variation, residue mobility, and thermodynamic stability) indicates that this missense variant is not expected to disrupt FGFR3 protein function with a negative predictive value of 95%. In summary, the available evidence is currently insufficient to determine the role of this variant in disease. Therefore, it has been classified as a Variant of Uncertain Significance.

NM_000142.5(FGFR3):c.2163C>G (p.His721Gln)

Gene: FGFR3 (fibroblast growth factor receptor 3; plus strand). Cytogenetic location: 4p16.3.
Variant type: single nucleotide variant.
Coding change: c.2163C>G on transcript NM_000142.5 (MANE Select); coding-DNA position 2163, C replaced by G.
Protein change: p.His721Gln; replaces histidine 721 with glutamine.
Molecular consequence: missense variant. On other transcripts: non-coding transcript variant (1).
Genome position (GRCh38, 1-based): chr4:1,806,678, C>G. VCF-style: chr4-1806678-C-G. GRCh37 (hg19) VCF-style: chr4-1808405-C-G.
Other names: c.2169C>G, p.His723Gln (NM_001163213.2); c.2166C>G, p.His722Gln (NM_001354809.2); c.2095C>G, p.Arg699Gly (NM_001354810.2); c.1827C>G, p.His609Gln (NM_022965.4); short protein forms R699G, H609Q, H721Q, H722Q, H723Q.
Identifiers: ClinVar variation 4692701 (VCV004692701.1).